The following is an entry in ClinVar:

NM_000620.5(NOS1):c.2661T>C (p.Phe887=)

Gene: NOS1 (nitric oxide synthase 1; minus strand). Cytogenetic location: 12q24.22.
Variant type: single nucleotide variant.
Coding change: c.2661T>C on transcript NM_000620.5 (MANE Select); coding-DNA position 2661, T replaced by C.
Protein change: p.Phe887=; no amino-acid change (phenylalanine 887 retained).
Molecular consequence: synonymous variant.
Genome position (GRCh38, 1-based): chr12:117,247,510, A>G on the plus strand (T>C on the coding strand, the complement: NOS1 is on the minus strand). VCF-style: chr12-117247510-A-G. GRCh37 (hg19) VCF-style: chr12-117685315-A-G.
Other names: c.1653T>C, p.Phe551= (NM_001204213.2, NM_001204214.2); c.2763T>C, p.Phe921= (NM_001204218.2).
Identifiers: ClinVar variation 3052307 (VCV003052307.2), dbSNP rs752133783, ClinGen allele CA6814712.
Genomic context (GRCh38, chr12:117,247,510, plus strand): 5'-GAGGGTGTCCACAGCGTGTCCGAAGGCGCAAAAGTGAGGGTATGCTCGTGAGCCGAGGCC[A>G]AAAACTGAGAACCTGTCAAGGAGATGACAGAATGTTCATGCTAAGGGACTGTGGGGAATG-3'
Protein context (NP_000611.1, residues 877-897): GPLANVRFSV[Phe887=]GLGSRAYPHF

ClinVar aggregate classification (germline): Likely benign (0 of 4 stars; one submission).

Conditions:
NOS1-related disorder. Also called: NOS1-related condition.

Allele frequency attached by ClinVar (database versions not stated): gnomAD exomes 0.00002; TOPMed 0.00002; ExAC 0.00003; gnomAD 0.00003.
gnomAD v4.1: 31 of 1,606,534 alleles (0.0019%); highest among the groups gnomAD compares: South Asian, 0.0078%; no homozygotes.

Submission:

PreventionGenetics, part of Exact Sciences
Classification: Likely benign for NOS1-related condition. Last evaluated: 2019-08-16. Review status: no assertion criteria provided. Collection method: clinical testing. Allele origin: germline.
Comment: This variant is classified as likely benign based on ACMG/AMP sequence variant interpretation guidelines (Richards et al. 2015 PMID: 25741868, with internal and published modifications).